The following is an entry in ClinVar:

NM_201384.3(PLEC):c.8046C>T (p.Leu2682=)

Gene: PLEC (plectin; minus strand). Cytogenetic location: 8q24.3.
Variant type: single nucleotide variant.
Coding change: c.8046C>T on transcript NM_201384.3 (MANE Select); coding-DNA position 8046, C replaced by T.
Protein change: p.Leu2682=; no amino-acid change (leucine 2682 retained).
Molecular consequence: synonymous variant.
Genome position (GRCh38, 1-based): chr8:143,921,775, G>A on the plus strand (C>T on the coding strand, the complement: PLEC is on the minus strand). VCF-style: chr8-143921775-G-A. GRCh37 (hg19) VCF-style: chr8-144995943-G-A.
Other names: p.Leu2668=; c.8127C>T, p.Leu2709= (NM_000445.5); c.8004C>T, p.Leu2668= (NM_201378.4); c.7980C>T, p.Leu2660= (NM_201379.3); c.8457C>T, p.Leu2819= (NM_201380.4); c.7950C>T, p.Leu2650= (NM_201381.3); c.8046C>T, p.Leu2682= (NM_201382.4); c.8058C>T, p.Leu2686= (NM_201383.3).
Identifiers: ClinVar variation 497587 (VCV000497587.20), dbSNP rs375590561, ClinGen allele CA4925441.

ClinVar aggregate classification (germline): Conflicting classifications of pathogenicity. Review status: criteria provided, conflicting classifications (1 of 4 stars). 5 submissions from 5 submitters: Uncertain significance (1); Likely benign (3). 1 of the submissions does not count toward it. Last evaluated 2025-12-10.

Conditions:
PLEC-related disorder. Also called: PLEC-related disorders; PLEC-related condition.
Autosomal recessive limb-girdle muscular dystrophy type 2Q (LGMDR17). Also called: MUSCULAR DYSTROPHY, LIMB-GIRDLE, AUTOSOMAL RECESSIVE 17. Identifiers: Orphanet 254361, MedGen C3150989, MONDO:0013390, OMIM 613723.
Epidermolysis bullosa simplex with nail dystrophy (EBS5D). Identifiers: MedGen C4225309, MONDO:0014661, OMIM 616487.
Epidermolysis bullosa simplex 5B, with muscular dystrophy (EBS5B). Also called: EPIDERMOLYSIS BULLOSA SIMPLEX AND LIMB-GIRDLE MUSCULAR DYSTROPHY; Epidermolysis bullosa simplex with muscular dystrophy. Identifiers: Orphanet 257, MedGen C2931072, MONDO:0009181, OMIM 226670.
Epidermolysis bullosa simplex, Ogna type (EBS5A). Also called: EPIDERMOLYSIS BULLOSA SIMPLEX 5A, OGNA TYPE; Pidermolysis bullosa simplex 5A, Ogna type. Identifiers: Orphanet 79401, MedGen C0432317, MONDO:0007555, OMIM 131950.
Epidermolysis bullosa simplex 5C, with pyloric atresia (EBS5C). Also called: PLEC-Related Epidermolysis Bullosa with Pyloric Atresia; PLEC1-Related Epidermolysis Bullosa with Pyloric Atresia; Epidermolysis bullosa simplex with pyloric atresia. Identifiers: Orphanet 158684, MedGen C2677349, MONDO:0012807, OMIM 612138.

Allele frequency attached by ClinVar (database versions not stated): gnomAD exomes 0.00006 and 0.00014; ExAC 0.00015; gnomAD 0.00040 and 0.00046; TOPMed 0.00049; ESP Exome Variant Server 0.00070.
gnomAD v4.1: 150 of 1,611,506 alleles (0.0093%); highest among the groups gnomAD compares: African/African-American, 0.14%; no homozygotes.

Submissions (5):

Labcorp Genetics (formerly Invitae), Labcorp
Classification: Likely benign for Autosomal recessive limb-girdle muscular dystrophy type 2Q; Epidermolysis bullosa simplex, Ogna type; Epidermolysis bullosa simplex with nail dystrophy; Epidermolysis bullosa simplex 5C, with pyloric atresia; Epidermolysis bullosa simplex 5B, with muscular dystrophy. Last evaluated: 2025-12-10. Review status: criteria provided, single submitter. Criteria: Invitae Variant Classification Sherloc (09022015). Collection method: clinical testing. Allele origin: germline.

Mayo Clinic Laboratories, Mayo Clinic
Classification: Likely benign. Last evaluated: 2025-06-12. Review status: criteria provided, single submitter. Criteria: ACMG Guidelines, 2015. Collection method: clinical testing. Allele origin: germline. Observed: 2 variant alleles.
Comment: BS1, BP4, BP7

Revvity Omics, Revvity
Classification: Likely benign. Last evaluated: 2023-11-10. Review status: criteria provided, single submitter. Criteria: ACMG Guidelines, 2015. Collection method: clinical testing. Allele origin: germline.

Eurofins Ntd Llc (ga)
Classification: Uncertain significance. Last evaluated: 2017-07-14. Review status: criteria provided, single submitter. Criteria: EGL Classification Definitions 2015. Collection method: clinical testing. Allele origin: germline. Observed: 6 variant alleles, 6 heterozygotes.

PreventionGenetics, part of Exact Sciences
Classification: Likely benign for PLEC-related condition. Last evaluated: 2019-10-28. Review status: no assertion criteria provided. Collection method: clinical testing. Allele origin: germline. Not counted in ClinVar's aggregate classification.
Comment: This variant is classified as likely benign based on ACMG/AMP sequence variant interpretation guidelines (Richards et al. 2015 PMID: 25741868, with internal and published modifications).